The following is an entry in ClinVar:

NM_002516.4(NOVA2):c.371C>T (p.Thr124Met)

Gene: NOVA2 (NOVA alternative splicing regulator 2; minus strand). Cytogenetic location: 19q13.32.
Variant type: single nucleotide variant.
Coding change: c.371C>T on transcript NM_002516.4 (MANE Select); coding-DNA position 371, C replaced by T.
Protein change: p.Thr124Met; replaces threonine 124 with methionine.
Molecular consequence: missense variant.
Genome position (GRCh38, 1-based): chr19:45,953,805, G>A on the plus strand (C>T on the coding strand, the complement: NOVA2 is on the minus strand). VCF-style: chr19-45953805-G-A. GRCh37 (hg19) VCF-style: chr19-46457063-G-A.
Other names: c.371C>T (NM_002516.3); short protein forms T124M.
Identifiers: ClinVar variation 1675751 (VCV001675751.35), dbSNP rs547813363, ClinGen allele CA9525439.
Genomic context (GRCh38, chr19:45,953,805, plus strand): 5'-AGCTTTACAGCAACCCAGTCTCTGCCCCAGCTGACCTGCTTGGCTCTGTCGGGGTTCATC[G>A]TGGTTTGGGGTTGAAGGATGTTGACCACCTCAGGCTTGGTCATCGCTTGTGGGATTTCTC-3'
Protein context (NP_002507.1, residues 114-134): EVVNILQPQT[Thr124Met]MNPDRAKQAK

ClinVar aggregate classification (germline): Conflicting classifications of pathogenicity. Review status: criteria provided, conflicting classifications (1 of 4 stars). 3 submissions from 3 submitters: Uncertain significance (2); Likely benign (1). Last evaluated 2025-11-04.

Conditions:
Neurodevelopmental disorder with or without autistic features and/or structural brain abnormalities. Identifiers: MedGen C5394311, MONDO:0030024, OMIM 618859.
NOVA2-related disorder. Also called: NOVA2-related condition.

Allele frequency attached by ClinVar (database versions not stated): ExAC 0.00002; gnomAD exomes 0.00002 and 0.00004; gnomAD 0.00003 and 0.00004; TOPMed 0.00005; 1000 Genomes Project 30x 0.00016; 1000 Genomes Project 0.00020.
gnomAD v4.1: 62 of 1,614,166 alleles (0.0038%); highest among the groups gnomAD compares: South Asian, 0.0066%; no homozygotes.

Submissions (3):

PreventionGenetics, part of Exact Sciences
Classification: Uncertain significance for NOVA2-related condition. Last evaluated: 2025-11-04. Review status: criteria provided, single submitter. Criteria: ACMG Guidelines, 2015. Collection method: clinical testing. Allele origin: germline.
Comment: The NOVA2 c.371C>T variant is predicted to result in the amino acid substitution p.Thr124Met. This variant has been reported in individuals in large cohort studies of autism spectrum disorder (Suppl. Table 20, Fu et al. 2022. PubMed ID: 35982160; Suppl. Data 1, Zhou et al. 2022. PubMed ID: 35982159). This variant is reported in 0.0098% of alleles in individuals of South Asian descent in gnomAD. At this time, the clinical significance of this variant is uncertain due to the absence of conclusive functional and genetic evidence.

Fulgent Genetics
Classification: Uncertain significance for Neurodevelopmental disorder with or without autistic features and/or structural brain abnormalities. Last evaluated: 2024-01-19. Review status: criteria provided, single submitter. Criteria: ACMG Guidelines, 2015. Collection method: clinical testing. Allele origin: germline.

CeGaT Center for Human Genetics Tuebingen
Classification: Likely benign. Last evaluated: 2022-01-01. Review status: criteria provided, single submitter. Criteria: CeGaT Center For Human Genetics Tuebingen Variant Classification Criteria Version 2. Collection method: clinical testing. Allele origin: germline. Affected: yes. Observed: 1 variant allele.